The following is an entry in ClinVar:

ClinVar aggregate classification (germline): Conflicting classifications of pathogenicity. Review status: criteria provided, conflicting classifications (1 of 4 stars). 5 submissions from 5 submitters: Likely pathogenic (1); Uncertain significance (1). 3 of the submissions do not count toward it. Last evaluated 2026-03-04.

Conditions:
Microcephaly. Also called: Microcephaly (disease). Identifiers: MedGen C4551563, MONDO:0001149, HP:0000252.
PSAT deficiency. Identifiers: Orphanet 284417, MedGen C1970253, MONDO:0012596, OMIM 610992.
Neu-Laxova syndrome 2. Identifiers: Orphanet 2671, Orphanet 583602, MedGen C4015019, MONDO:0014466, OMIM 616038.

Allele frequency attached by ClinVar (database versions not stated): gnomAD 0.00001; TOPMed 0.00002; gnomAD exomes 0.00005; ExAC 0.00004.
gnomAD v4.1: 11 of 1,600,640 alleles (0.00069%); highest among the groups gnomAD compares: East Asian, 0.022%; no homozygotes.

Submissions (5):

GeneDx
Classification: Likely pathogenic. Last evaluated: 2026-03-04. Review status: criteria provided, single submitter. Criteria: GeneDx Variant Classification Process June 2021. Collection method: clinical testing. Allele origin: germline.
Comment: Published functional studies suggest a damaging effect on protein function (PMID: 32077105); In silico analysis supports that this missense variant has a deleterious effect on protein structure/function; This variant is associated with the following publications: (PMID: 36061210, 36599231, 32077105, 38546032, 37627284, 34089226)

Labcorp Genetics (formerly Invitae), Labcorp
Classification: Uncertain significance for Neu-Laxova syndrome 2. Last evaluated: 2022-07-27. Review status: criteria provided, single submitter. Criteria: Invitae Variant Classification Sherloc (09022015). Collection method: clinical testing. Allele origin: germline.
Comment: This sequence change replaces alanine, which is neutral and non-polar, with proline, which is neutral and non-polar, at codon 15 of the PSAT1 protein (p.Ala15Pro). This variant is present in population databases (rs774962204, gnomAD 0.05%). This missense change has been observed in individual(s) with clinical features of PSAT1-related conditions (PMID: 34089226). ClinVar contains an entry for this variant (Variation ID: 367451). Algorithms developed to predict the effect of missense changes on protein structure and function are either unavailable or do not agree on the potential impact of this missense change (SIFT: "Deleterious"; PolyPhen-2: "Possibly Damaging"; Align-GVGD: "Class C0"). Experimental studies are conflicting or provide insufficient evidence to determine the effect of this variant on PSAT1 function (PMID: 32077105). In summary, the available evidence is currently insufficient to determine the role of this variant in disease. Therefore, it has been classified as a Variant of Uncertain Significance.

OMIM
Classification: Pathogenic for PHOSPHOSERINE AMINOTRANSFERASE DEFICIENCY. Last evaluated: 2024-04-08. Review status: no assertion criteria provided. Collection method: literature only. Allele origin: germline. Not counted in ClinVar's aggregate classification.

Department of Pediatrics, Samsung Medical Center, Samsung Medical Center
Classification: Uncertain significance for Microcephaly. Review status: no assertion criteria provided. Criteria: ACMG Guidelines, 2015. Collection method: research. Allele origin: germline. Affected: yes. Not counted in ClinVar's aggregate classification.

Dudley Research Group, Pacific Northwest Research Institute
No classification provided. Review status: no classification provided. Collection method: research, in vivo. Allele origin: unknown, not applicable. Functional consequence: loss_of_function_variant. Not counted in ClinVar's aggregate classification.

Literature cited by the submitters: PubMed 34089226 (cited by Labcorp Genetics (formerly Invitae), Labcorp and OMIM); PubMed 32077105 (cited by Labcorp Genetics (formerly Invitae), Labcorp).

NM_058179.4(PSAT1):c.43G>C (p.Ala15Pro)

Gene: PSAT1 (phosphoserine aminotransferase 1; plus strand). Cytogenetic location: 9q21.2.
Variant type: single nucleotide variant.
Coding change: c.43G>C on transcript NM_058179.4 (MANE Select); coding-DNA position 43, G replaced by C.
Protein change: p.Ala15Pro; replaces alanine 15 with proline.
Molecular consequence: missense variant.
Genome position (GRCh38, 1-based): chr9:78,297,253, G>C. VCF-style: chr9-78297253-G-C. GRCh37 (hg19) VCF-style: chr9-80912169-G-C.
Other names: c.43G>C, p.Ala15Pro (NM_021154.5); short protein forms A15P.
Identifiers: ClinVar variation 367451 (VCV000367451.16), dbSNP rs774962204, ClinGen allele CA5095479.
Genomic context (GRCh38, chr9:78,297,253, plus strand): 5'-CGCCCTGGCCGCCGCACCATGGACGCCCCCAGGCAGGTGGTCAACTTTGGGCCTGGTCCC[G>C]CCAAGCTGCCGCACTCAGTAAGTCCCCGCGAGCGGGCGCCGGGAGTGAGGTTCAGGCGGG-3'
Protein context (NP_478059.1, residues 5-25): RQVVNFGPGP[Ala15Pro]KLPHSVLLEI